The following is an entry in ClinVar:

NM_001371928.1(AHDC1):c.4339C>T (p.Arg1447Trp)

Gene: AHDC1 (AT-hook DNA binding motif containing 1; minus strand). Cytogenetic location: 1p36.11.
Variant type: single nucleotide variant.
Coding change: c.4339C>T on transcript NM_001371928.1 (MANE Select); coding-DNA position 4339, C replaced by T.
Protein change: p.Arg1447Trp; replaces arginine 1447 with tryptophan.
Molecular consequence: missense variant.
Genome position (GRCh38, 1-based): chr1:27,547,777, G>A on the plus strand (C>T on the coding strand, the complement: AHDC1 is on the minus strand). VCF-style: chr1-27547777-G-A. GRCh37 (hg19) VCF-style: chr1-27874288-G-A.
Other names: c.4339C>T, p.Arg1447Trp (NM_001029882.3); c.295C>T, p.Arg99Trp (NM_015699.1); short protein forms R1447W, R99W.
Identifiers: ClinVar variation 1969446 (VCV001969446.6), dbSNP rs1337874441, ClinGen allele CA339222659.

ClinVar aggregate classification (germline): Conflicting classifications of pathogenicity. Review status: criteria provided, conflicting classifications (1 of 4 stars). 2 submissions from 2 submitters: Uncertain significance (1); Likely benign (1). Last evaluated 2024-07-22.

Allele frequency attached by ClinVar (database versions not stated): gnomAD exomes 0.00001; TOPMed 0.00001.

Submissions (2):

Women's Health and Genetics/Laboratory Corporation of America, LabCorp
Classification: Uncertain significance. Last evaluated: 2024-07-22. Review status: criteria provided, single submitter. Criteria: LabCorp Variant Classification Summary - May 2015. Collection method: clinical testing. Allele origin: germline.
Comment: Variant summary: AHDC1 c.4339C>T (p.Arg1447Trp) results in a non-conservative amino acid change in the encoded protein sequence. Four of five in-silico tools predict a damaging effect of the variant on protein function. The frequency data for this variant in gnomAD is considered unreliable, as metrics indicate poor data quality at this position. To our knowledge, no occurrence of c.4339C>T in individuals affected with Xia-Gibbs Syndrome and no experimental evidence demonstrating its impact on protein function have been reported. ClinVar contains an entry for this variant (Variation ID: 1969446). Based on the evidence outlined above, the variant was classified as uncertain significance.

Labcorp Genetics (formerly Invitae), Labcorp
Classification: Likely benign. Last evaluated: 2024-02-23. Review status: criteria provided, single submitter. Criteria: Invitae Variant Classification Sherloc (09022015). Collection method: clinical testing. Allele origin: germline.